The following is an entry in ClinVar:

ClinVar aggregate classification (germline): Uncertain significance (1 of 4 stars; one submission).

Submission:

GeneDx
Classification: Uncertain significance. Last evaluated: 2024-02-13. Review status: criteria provided, single submitter. Criteria: GeneDx Variant Classification Process June 2021. Collection method: clinical testing. Allele origin: germline. Affected: yes.
Comment: Not observed at significant frequency in large population cohorts (gnomAD); In silico analysis supports that this missense variant has a deleterious effect on protein structure/function; Has not been previously published as pathogenic or benign to our knowledge

NM_002875.5(RAD51):c.155T>C (p.Val52Ala)

Gene: RAD51 (RAD51 recombinase; plus strand). Cytogenetic location: 15q15.1.
Variant type: single nucleotide variant.
Coding change: c.155T>C on transcript NM_002875.5 (MANE Select); coding-DNA position 155, T replaced by C.
Protein change: p.Val52Ala; replaces valine 52 with alanine.
Molecular consequence: missense variant.
Genome position (GRCh38, 1-based): chr15:40,701,131, T>C. VCF-style: chr15-40701131-T-C. GRCh37 (hg19) VCF-style: chr15-40993329-T-C.
Other names: c.155T>C, p.Val52Ala (NM_001164269.2, NM_001164270.2, NM_133487.4); short protein forms V52A.
Identifiers: ClinVar variation 3369271 (VCV003369271.1).